The following is an entry in ClinVar:

NM_003482.4(KMT2D):c.14000-9A>G

Gene: KMT2D (lysine methyltransferase 2D; minus strand). Cytogenetic location: 12q13.12.
Variant type: single nucleotide variant.
Coding change: c.14000-9A>G on transcript NM_003482.4 (MANE Select); 9 bases into the intron before coding-DNA position 14000, A replaced by G.
Molecular consequence: intron variant.
Genome position (GRCh38, 1-based): chr12:49,029,485, T>C on the plus strand (A>G on the coding strand, the complement: KMT2D is on the minus strand). VCF-style: chr12-49029485-T-C. GRCh37 (hg19) VCF-style: chr12-49423268-T-C.
Other names: c.14000-9A>G (NM_003482.3).
Identifiers: ClinVar variation 1656699 (VCV001656699.10), dbSNP rs749095096, ClinGen allele CA6545842.
Genomic context (GRCh38, chr12:49,029,485, plus strand): 5'-GGGGGTGTAGGCAAGGCAGCCAGCAGGTCTAGACTCTTCACCTCTGAAGTATCTGAGGGG[T>C]GGGTAGGGAGAAGAAAAGTCAGGTGAGGGTGGCCAGGGCTGATGGTACCTTCTCCCAATA-3'

ClinVar aggregate classification (germline): Likely benign. Review status: criteria provided, single submitter (1 of 4 stars). 2 submissions from 2 submitters: Likely benign (1). 1 of the submissions does not count toward it. Last evaluated 2025-09-14.

Conditions:
KMT2D-related disorder. Also called: KMT2D-Related Disorders.
Kabuki syndrome. Also called: Kabuki make-up syndrome; NIIKAWA-KUROKI SYNDROME. Identifiers: Orphanet 2322, MedGen C0796004, MONDO:0016512.

Allele frequency attached by ClinVar (database versions not stated): gnomAD exomes 0.00001 and 0.00005; gnomAD 0.00003 and 0.00004; TOPMed 0.00004; ExAC 0.00005.
gnomAD v4.1: 76 of 1,550,688 alleles (0.0049%); highest among the groups gnomAD compares: Non-Finnish European, 0.0058%; no homozygotes.

Submissions (2):

Labcorp Genetics (formerly Invitae), Labcorp
Classification: Likely benign for Kabuki syndrome. Last evaluated: 2025-09-14. Review status: criteria provided, single submitter. Criteria: Invitae Variant Classification Sherloc (09022015). Collection method: clinical testing. Allele origin: germline.

PreventionGenetics, part of Exact Sciences
Classification: Likely benign for KMT2D-related condition. Last evaluated: 2019-05-17. Review status: no assertion criteria provided. Collection method: clinical testing. Allele origin: germline. Not counted in ClinVar's aggregate classification.
Comment: This variant is classified as likely benign based on ACMG/AMP sequence variant interpretation guidelines (Richards et al. 2015 PMID: 25741868, with internal and published modifications).